The following is an entry in ClinVar:

NM_001378120.1(MBD5):c.2101A>G (p.Met701Val)

Gene: MBD5 (methyl-CpG binding domain protein 5; plus strand). Cytogenetic location: 2q23.1.
Variant type: single nucleotide variant.
Coding change: c.2101A>G on transcript NM_001378120.1 (MANE Select); coding-DNA position 2101, A replaced by G.
Protein change: p.Met701Val; replaces methionine 701 with valine.
Molecular consequence: missense variant.
Genome position (GRCh38, 1-based): chr2:148,470,044, A>G. VCF-style: chr2-148470044-A-G. GRCh37 (hg19) VCF-style: chr2-149227613-A-G.
Other names: c.2101A>G, p.Met701Val (NM_018328.5); short protein forms M701V.
Identifiers: ClinVar variation 95900 (VCV000095900.11), dbSNP rs398124343, ClinGen allele CA223526.

ClinVar aggregate classification (germline): Conflicting classifications of pathogenicity. Review status: criteria provided, conflicting classifications (1 of 4 stars). 4 submissions from 4 submitters: Uncertain significance (3); Likely benign (1). Last evaluated 2026-01-13.

Conditions:
Inborn genetic diseases. Identifiers: MedGen C0950123, MeSH D030342.
Intellectual developmental disorder, autosomal dominant 1. Also called: MBD5 Haploinsufficiency; Intellectual disability, autosomal dominant 1. Identifiers: Orphanet 228402, MedGen C1969562, MONDO:0007974, OMIM 156200.
Cleft palate. Identifiers: Orphanet 2014, MedGen C2981150, MONDO:0016064, HP:0000175.

Allele frequency attached by ClinVar (database versions not stated): ExAC 0.00001; gnomAD 0.00003; TOPMed 0.00003.
gnomAD v4.1: 35 of 1,613,716 alleles (0.0022%); highest among the groups gnomAD compares: Non-Finnish European, 0.0026%; no homozygotes.

Submissions (4):

Labcorp Genetics (formerly Invitae), Labcorp
Classification: Uncertain significance for Intellectual developmental disorder, autosomal dominant 1. Last evaluated: 2026-01-13. Review status: criteria provided, single submitter. Criteria: Invitae Variant Classification Sherloc (09022015). Collection method: clinical testing. Allele origin: germline.
Comment: This sequence change replaces methionine, which is neutral and non-polar, with valine, which is neutral and non-polar, at codon 701 of the MBD5 protein (p.Met701Val). This variant is present in population databases (rs398124343, gnomAD 0.003%). This variant has not been reported in the literature in individuals affected with MBD5-related conditions. ClinVar contains an entry for this variant (Variation ID: 95900). Invitae Evidence Modeling of protein sequence and biophysical properties (such as structural, functional, and spatial information, amino acid conservation, physicochemical variation, residue mobility, and thermodynamic stability) indicates that this missense variant is not expected to disrupt MBD5 protein function with a negative predictive value of 80%. In summary, the available evidence is currently insufficient to determine the role of this variant in disease. Therefore, it has been classified as a Variant of Uncertain Significance.

Ambry Genetics
Classification: Likely benign for Inborn genetic diseases. Last evaluated: 2025-12-02. Review status: criteria provided, single submitter. Criteria: Ambry Variant Classification Scheme 2023. Collection method: clinical testing. Allele origin: germline.

Cambridge Genomics Laboratory, East Genomic Laboratory Hub, NHS Genomic Medicine Service
Classification: Uncertain significance for Cleft palate. Last evaluated: 2020-07-13. Review status: criteria provided, single submitter. Criteria: ACGS Best Practice Guidelines for Variant Classification in Rare Disease 2020. Collection method: clinical testing. Allele origin: germline. Affected: yes. Observed: 1 variant allele.

Eurofins Ntd Llc (ga)
Classification: Uncertain significance. Last evaluated: 2013-10-16. Review status: criteria provided, single submitter. Criteria: EGL Classification Definitions 2015. Collection method: clinical testing. Allele origin: germline. Observed: 1 variant allele, 1 heterozygote.